The following is an entry in ClinVar:

ClinVar aggregate classification (germline): Uncertain significance. Review status: criteria provided, single submitter (1 of 4 stars). 2 submissions from 2 submitters: Uncertain significance (1). 1 of the submissions does not count toward it. Last evaluated 2017-05-02.

Conditions:
PEX14-related disorder. Also called: PEX14-related condition.

Allele frequency attached by ClinVar (database versions not stated): gnomAD 0.00002 and 0.00004; TOPMed 0.00002; gnomAD exomes 0.00009; ExAC 0.00021.
gnomAD v4.1: 100 of 1,607,466 alleles (0.0062%); highest among the groups gnomAD compares: South Asian, 0.069%; no homozygotes.

Submissions (2):

Eurofins Ntd Llc (ga)
Classification: Uncertain significance. Last evaluated: 2017-05-02. Review status: criteria provided, single submitter. Criteria: EGL Classification Definitions 2015. Collection method: clinical testing. Allele origin: germline. Observed: 1 variant allele, 1 heterozygote.

PreventionGenetics, part of Exact Sciences
Classification: Likely benign for PEX14-related condition. Last evaluated: 2023-07-31. Review status: no assertion criteria provided. Collection method: clinical testing. Allele origin: germline. Not counted in ClinVar's aggregate classification.
Comment: This variant is classified as likely benign based on ACMG/AMP sequence variant interpretation guidelines (Richards et al. 2015 PMID: 25741868, with internal and published modifications).

NM_004565.3(PEX14):c.-7C>T

Gene: PEX14 (peroxisomal biogenesis factor 14; plus strand). Cytogenetic location: 1p36.22.
Variant type: single nucleotide variant.
Coding change: c.-7C>T on transcript NM_004565.3 (MANE Select); 7 bases upstream of the start codon, C replaced by T.
Molecular consequence: 5 prime UTR variant.
Genome position (GRCh38, 1-based): chr1:10,474,960, C>T. VCF-style: chr1-10474960-C-T. GRCh37 (hg19) VCF-style: chr1-10535017-C-T.
Other names: c.-7C>T (NM_004565.2).
Identifiers: ClinVar variation 501839 (VCV000501839.7), dbSNP rs774075581, ClinGen allele CA583652.